The following is an entry in ClinVar:

NM_025000.4(DCAF17):c.894_906del (p.Gly299fs)

Gene: DCAF17 (DDB1 and CUL4 associated factor 17; plus strand). Cytogenetic location: 2q31.1.
Variant type: Deletion.
Coding change: c.894_906del on transcript NM_025000.4 (MANE Select); coding-DNA positions 894 to 906, 13 bases deleted (AGGCCATCCTTGG).
Protein change: p.Gly299fs; shifts the reading frame from glycine 299.
Molecular consequence: frameshift variant. On other transcripts: non-coding transcript variant (1).
Genome position (GRCh38, 1-based): chr2:171,468,943-171,468,955, AGGCCATCCTTGG deleted; deleting any 13 consecutive bases within chr2:171,468,939-171,468,955 gives the same sequence; the c. name uses the placement nearest the transcript's 3' end. VCF-style (leftmost placement, unchanged base first): chr2-171468938-ATTGGAGGCCATCC-A. GRCh37 (hg19) VCF-style: chr2-172325448-ATTGGAGGCCATCC-A.
Other names: c.894_906del, p.Gly299fs (NM_001164821.2); short protein forms G299fs.
Identifiers: ClinVar variation 2816473 (VCV002816473.3), dbSNP rs2529762014, ClinGen allele CA2739271635.

ClinVar aggregate classification (germline): Pathogenic (1 of 4 stars; one submission).

Conditions:
Woodhouse-Sakati syndrome. Also called: Hypogonadism, Alopecia, Diabetes Mellitus, Mental Retardation, and Extrapyramidal Syndrome; Hypogonadism, diabetes mellitus, alopecia, mental retardation and electrocardiographic abnormalities; EXTRAPYRAMIDAL DISORDER, PROGRESSIVE, WITH PRIMARY HYPOGONADISM, MENTAL RETARDATION, AND ALOPECIA. Identifiers: Orphanet 3464, MedGen C0342286, MONDO:0009419, OMIM 241080.

Submission:

Labcorp Genetics (formerly Invitae), Labcorp
Classification: Pathogenic for Woodhouse-Sakati syndrome. Last evaluated: 2023-10-16. Review status: criteria provided, single submitter. Criteria: Invitae Variant Classification Sherloc (09022015). Collection method: clinical testing. Allele origin: germline.
Comment: This sequence change creates a premature translational stop signal (p.Gly299Thrfs*20) in the DCAF17 gene. It is expected to result in an absent or disrupted protein product. Loss-of-function variants in DCAF17 are known to be pathogenic (PMID: 19026396, 20507343). This variant is not present in population databases (gnomAD no frequency). This variant has not been reported in the literature in individuals affected with DCAF17-related conditions. For these reasons, this variant has been classified as Pathogenic.

Literature cited by the submitters: PubMed 19026396; PubMed 20507343.